The following is an entry in ClinVar:

ClinVar aggregate classification (germline): Uncertain significance (1 of 4 stars; one submission).

Allele frequency attached by ClinVar (database versions not stated): ExAC 0.00006; gnomAD 0.00009; TOPMed 0.00011; 1000 Genomes Project 30x 0.00016; 1000 Genomes Project 0.00020; ESP Exome Variant Server 0.00023.
gnomAD v4.1: 20 of 1,610,994 alleles (0.0012%); highest among the groups gnomAD compares: African/African-American, 0.025%; no homozygotes.

Submission:

Labcorp Genetics (formerly Invitae), Labcorp
Classification: Uncertain significance. Last evaluated: 2023-08-17. Review status: criteria provided, single submitter. Criteria: Invitae Variant Classification Sherloc (09022015). Collection method: clinical testing. Allele origin: germline.
Comment: This variant has not been reported in the literature in individuals affected with HSPG2-related conditions. This variant is present in population databases (rs373360723, gnomAD 0.04%). This sequence change falls in intron 64 of the HSPG2 gene. It does not directly change the encoded amino acid sequence of the HSPG2 protein. ClinVar contains an entry for this variant (Variation ID: 1980468). In summary, the available evidence is currently insufficient to determine the role of this variant in disease. Therefore, it has been classified as a Variant of Uncertain Significance. Algorithms developed to predict the effect of sequence changes on RNA splicing suggest that this variant may disrupt the consensus splice site.

NM_005529.7(HSPG2):c.8465-5C>T

Gene: HSPG2 (heparan sulfate proteoglycan 2; minus strand). Cytogenetic location: 1p36.12.
Variant type: single nucleotide variant.
Coding change: c.8465-5C>T on transcript NM_005529.7 (MANE Select); 5 bases into the intron before coding-DNA position 8465, C replaced by T.
Molecular consequence: intron variant.
Genome position (GRCh38, 1-based): chr1:21,844,304, G>A on the plus strand (C>T on the coding strand, the complement: HSPG2 is on the minus strand). VCF-style: chr1-21844304-G-A. GRCh37 (hg19) VCF-style: chr1-22170797-G-A.
Other names: c.8468-5C>T (NM_001291860.2).
Identifiers: ClinVar variation 1980468 (VCV001980468.4), dbSNP rs373360723, ClinGen allele CA670766.